The following is an entry in ClinVar:

NM_032444.4(SLX4):c.1759C>T (p.Leu587Phe)

Gene: SLX4 (SLX4 structure-specific endonuclease subunit; minus strand). Cytogenetic location: 16p13.3.
Variant type: single nucleotide variant.
Coding change: c.1759C>T on transcript NM_032444.4 (MANE Select); coding-DNA position 1759, C replaced by T.
Protein change: p.Leu587Phe; replaces leucine 587 with phenylalanine.
Molecular consequence: missense variant.
Genome position (GRCh38, 1-based): chr16:3,596,318, G>A on the plus strand (C>T on the coding strand, the complement: SLX4 is on the minus strand). VCF-style: chr16-3596318-G-A. GRCh37 (hg19) VCF-style: chr16-3646319-G-A.
Other names: short protein forms L587F.
Identifiers: ClinVar variation 2720764 (VCV002720764.3), dbSNP rs1160606336, ClinGen allele CA394527558.

ClinVar aggregate classification (germline): Uncertain significance (1 of 4 stars; one submission).

Conditions:
Fanconi anemia (FA). Also called: Fanconi's anemia. Identifiers: Orphanet 84, MedGen C0015625, MeSH D005199, MONDO:0019391.

Allele frequency attached by ClinVar (database versions not stated): gnomAD 0.00001.
gnomAD v4.1: 1 of 1,582,294 alleles (0.000063%); highest among the groups gnomAD compares: Admixed American, 0.0018%; no homozygotes.

Submission:

Labcorp Genetics (formerly Invitae), Labcorp
Classification: Uncertain significance for Fanconi anemia. Last evaluated: 2023-07-29. Review status: criteria provided, single submitter. Criteria: Invitae Variant Classification Sherloc (09022015). Collection method: clinical testing. Allele origin: germline.
Comment: In summary, the available evidence is currently insufficient to determine the role of this variant in disease. Therefore, it has been classified as a Variant of Uncertain Significance. Algorithms developed to predict the effect of missense changes on protein structure and function output the following: SIFT: "Not Available"; PolyPhen-2: "Benign"; Align-GVGD: "Not Available". The phenylalanine amino acid residue is found in multiple mammalian species, which suggests that this missense change does not adversely affect protein function. This variant has not been reported in the literature in individuals affected with SLX4-related conditions. This variant is not present in population databases (gnomAD no frequency). This sequence change replaces leucine, which is neutral and non-polar, with phenylalanine, which is neutral and non-polar, at codon 587 of the SLX4 protein (p.Leu587Phe).